The following is an entry in ClinVar:

ClinVar aggregate classification (germline): Uncertain significance (1 of 4 stars; one submission).

Conditions:
Oto-palato-digital syndrome, type II (OPD2). Also called: FACIOPALATOOSSEOUS SYNDROME; OPD II SYNDROME; Otopalatodigital Syndrome, Type II; Otopalatodigital Syndrome Type 2 (FLNA-OPD2). Identifiers: Orphanet 669, Orphanet 90652, MedGen C1844696, MONDO:0010571, OMIM 304120.
Heterotopia, periventricular, X-linked dominant (PVNH1). Also called: PERIVENTRICULAR NODULAR HETEROTOPIA 1; X-linked periventricular heterotopia; PERIVENTRICULAR NODULAR HETEROTOPIA 4; HETEROTOPIA, PERIVENTRICULAR, 1. Identifiers: Orphanet 2149, Orphanet 82004, MedGen C1848213, MONDO:0010233, OMIM 300049.
Frontometaphyseal dysplasia (FMD1). Identifiers: Orphanet 1826, MedGen C0265293, MONDO:0015942.
Melnick-Needles syndrome (MNS). Also called: MELNICK-NEEDLES OSTEODYSPLASTY; OSTEODYSPLASTY OF MELNICK AND NEEDLES; Melnick-Needles Syndrome (FLNA-MNS). Identifiers: Orphanet 2484, MedGen C0025237, MONDO:0010650, OMIM 309350.

Submission:

Labcorp Genetics (formerly Invitae), Labcorp
Classification: Uncertain significance for Oto-palato-digital syndrome, type II; Heterotopia, periventricular, X-linked dominant; Frontometaphyseal dysplasia; Melnick-Needles syndrome. Last evaluated: 2023-05-16. Review status: criteria provided, single submitter. Criteria: Invitae Variant Classification Sherloc (09022015). Collection method: clinical testing. Allele origin: germline.
Comment: In summary, the available evidence is currently insufficient to determine the role of this variant in disease. Therefore, it has been classified as a Variant of Uncertain Significance. Algorithms developed to predict the effect of sequence changes on RNA splicing suggest that this variant may disrupt the consensus splice site. This variant has not been reported in the literature in individuals affected with FLNA-related conditions. This variant is not present in population databases (gnomAD no frequency). This sequence change affects codon 1446 of the FLNA mRNA. It is a 'silent' change, meaning that it does not change the encoded amino acid sequence of the FLNA protein.

NM_001110556.2(FLNA):c.4338A>G (p.Thr1446=)

Gene: FLNA (filamin A; minus strand). Cytogenetic location: Xq28.
Variant type: single nucleotide variant.
Coding change: c.4338A>G on transcript NM_001110556.2 (MANE Select); coding-DNA position 4338, A replaced by G.
Protein change: p.Thr1446=; no amino-acid change (threonine 1446 retained).
Molecular consequence: synonymous variant.
Genome position (GRCh38, 1-based): chrX:154,359,120, T>C on the plus strand (A>G on the coding strand, the complement: FLNA is on the minus strand). VCF-style: chrX-154359120-T-C. GRCh37 (hg19) VCF-style: chrX-153587488-T-C.
Other names: c.4338A>G, p.Thr1446= (NM_001456.4).
Identifiers: ClinVar variation 2947822 (VCV002947822.3), dbSNP rs2522737492, ClinGen allele CA519276839.